The following is an entry in ClinVar:

NM_006415.4(SPTLC1):c.1348G>A (p.Val450Met)

Gene: SPTLC1 (serine palmitoyltransferase long chain base subunit 1; minus strand). Cytogenetic location: 9q22.31.
Variant type: single nucleotide variant.
Coding change: c.1348G>A on transcript NM_006415.4 (MANE Select); coding-DNA position 1348, G replaced by A.
Protein change: p.Val450Met; replaces valine 450 with methionine.
Molecular consequence: missense variant. On other transcripts: intron variant (1).
Genome position (GRCh38, 1-based): chr9:92,032,539, C>T on the plus strand (G>A on the coding strand, the complement: SPTLC1 is on the minus strand). VCF-style: chr9-92032539-C-T. GRCh37 (hg19) VCF-style: chr9-94794821-C-T.
Other names: c.982G>A, p.Val328Met (NM_001368272.1); c.883G>A, p.Val295Met (NM_001368273.1); c.1329-13G>A (NM_001281303.2); short protein forms V328M, V295M, V450M.
Identifiers: ClinVar variation 1906936 (VCV001906936.5), dbSNP rs1833000760, ClinGen allele CA373789187.

ClinVar aggregate classification (germline): Uncertain significance (1 of 4 stars; one submission).

Conditions:
Hereditary sensory and autonomic neuropathy type 1 (HSAN1). Also called: HSAN 1; HSN Type I; Hereditary Sensory Neuropathy Type I. Identifiers: Orphanet 36386, MedGen C0020071, MONDO:0018213.

Allele frequency attached by ClinVar (database versions not stated): TOPMed 0.00001.

Submission:

Labcorp Genetics (formerly Invitae), Labcorp
Classification: Uncertain significance for Hereditary sensory and autonomic neuropathy type 1. Last evaluated: 2022-05-04. Review status: criteria provided, single submitter. Criteria: Invitae Variant Classification Sherloc (09022015). Collection method: clinical testing. Allele origin: germline.
Comment: In summary, the available evidence is currently insufficient to determine the role of this variant in disease. Therefore, it has been classified as a Variant of Uncertain Significance. Algorithms developed to predict the effect of missense changes on protein structure and function are either unavailable or do not agree on the potential impact of this missense change (SIFT: "Tolerated"; PolyPhen-2: "Possibly Damaging"; Align-GVGD: "Class C0"). This variant has not been reported in the literature in individuals affected with SPTLC1-related conditions. This variant is not present in population databases (gnomAD no frequency). This sequence change replaces valine, which is neutral and non-polar, with methionine, which is neutral and non-polar, at codon 450 of the SPTLC1 protein (p.Val450Met).